The following is an entry in ClinVar:

NM_000381.4(MID1):c.757-10802C>T

Gene: MID1 (midline 1; minus strand). Cytogenetic location: Xp22.2.
Variant type: single nucleotide variant.
Coding change: c.757-10802C>T on transcript NM_000381.4 (MANE Select); 10802 bases into the intron before coding-DNA position 757, C replaced by T.
Molecular consequence: intron variant.
Genome position (GRCh38, 1-based): chrX:10,506,493, G>A on the plus strand (C>T on the coding strand, the complement: MID1 is on the minus strand). VCF-style: chrX-10506493-G-A. GRCh37 (hg19) VCF-style: chrX-10474533-G-A.
Other names: NM_001193281.1:c.643-8C>T; c.757-10802C>T (NM_033290.4, NM_001098624.2, NM_001347733.2 and 2 more transcripts); c.643-10802C>T (NM_033289.2, NM_001193280.1); c.757-4934C>T (NM_001193278.1).
Identifiers: ClinVar variation 3037029 (VCV003037029.2), dbSNP rs1931847936, ClinGen allele CA2415287377.

ClinVar aggregate classification (germline): Likely benign (0 of 4 stars; one submission).

Conditions:
MID1-related disorder. Also called: MID1-related condition.

Allele frequency attached by ClinVar (database versions not stated): gnomAD exomes 0.00001.
gnomAD v4.1: 3 of 526,105 alleles (0.00057%); highest among the groups gnomAD compares: Non-Finnish European, 0.001%; no homozygotes.

Submission:

PreventionGenetics, part of Exact Sciences
Classification: Likely benign for MID1-related condition. Last evaluated: 2022-08-21. Review status: no assertion criteria provided. Collection method: clinical testing. Allele origin: germline.
Comment: This variant is classified as likely benign based on ACMG/AMP sequence variant interpretation guidelines (Richards et al. 2015 PMID: 25741868, with internal and published modifications).